The following is an entry in ClinVar:

NM_004237.4(TRIP13):c.1121A>G (p.Asn374Ser)

Gene: TRIP13 (thyroid hormone receptor interactor 13; plus strand). Cytogenetic location: 5p15.33.
Variant type: single nucleotide variant.
Coding change: c.1121A>G on transcript NM_004237.4 (MANE Select); coding-DNA position 1121, A replaced by G.
Protein change: p.Asn374Ser; replaces asparagine 374 with serine.
Molecular consequence: missense variant.
Genome position (GRCh38, 1-based): chr5:914,565, A>G. VCF-style: chr5-914565-A-G. GRCh37 (hg19) VCF-style: chr5-914680-A-G.
Other names: short protein forms N374S.
Identifiers: ClinVar variation 3625809 (VCV003625809.2).

ClinVar aggregate classification (germline): Uncertain significance (1 of 4 stars; one submission).

Submission:

Labcorp Genetics (formerly Invitae), Labcorp
Classification: Uncertain significance. Last evaluated: 2024-04-13. Review status: criteria provided, single submitter. Criteria: Invitae Variant Classification Sherloc (09022015). Collection method: clinical testing. Allele origin: germline.
Comment: This sequence change replaces asparagine, which is neutral and polar, with serine, which is neutral and polar, at codon 374 of the TRIP13 protein (p.Asn374Ser). This variant is present in population databases (rs769509710, gnomAD 0.05%). This variant has not been reported in the literature in individuals affected with TRIP13-related conditions. Algorithms developed to predict the effect of missense changes on protein structure and function output the following: SIFT: "Not Available"; PolyPhen-2: "Benign"; Align-GVGD: "Not Available". The serine amino acid residue is found in multiple mammalian species, which suggests that this missense change does not adversely affect protein function. In summary, the available evidence is currently insufficient to determine the role of this variant in disease. Therefore, it has been classified as a Variant of Uncertain Significance.